The following is an entry in ClinVar:

NM_001376.5(DYNC1H1):c.9048+4dup

Genes: DYNC1H1 (dynein cytoplasmic 1 heavy chain 1; plus strand), LOC126862060 (BRD4-independent group 4 enhancer GRCh37_chr14:102493659-102494858; plus strand). Cytogenetic location: 14q32.31.
Variant type: Duplication.
Coding change: c.9048+4dup on transcript NM_001376.5 (MANE Select); 4 bases into the intron after coding-DNA position 9048, one base duplicated (A; older notation c.9048+4dupA).
Molecular consequence: intron variant.
Genome position (GRCh38, 1-based): chr14:102,027,548, A duplicated; the last of 2 consecutive A bases (chr14:102,027,547-102,027,548); duplicating either gives the same sequence. VCF-style (leftmost placement, unchanged base first): chr14-102027546-T-TA. GRCh37 (hg19) VCF-style: chr14-102493883-T-TA.
Identifiers: ClinVar variation 2029746 (VCV002029746.4), dbSNP rs2503804526, ClinGen allele CA2580088440.

ClinVar aggregate classification (germline): Uncertain significance (1 of 4 stars; one submission).

Conditions:
Charcot-Marie-Tooth disease axonal type 2O. Also called: CHARCOT-MARIE-TOOTH NEUROPATHY, AXONAL, TYPE 2O; CHARCOT-MARIE-TOOTH DISEASE, AXONAL, AUTOSOMAL DOMINANT, TYPE 2O; Charcot-Marie-Tooth disease, axonal, type 20; Charcot-Marie-Tooth Neuropathy Type 2O. Identifiers: Orphanet 284232, MedGen C3280220, MONDO:0013644, OMIM 614228.

Submission:

Labcorp Genetics (formerly Invitae), Labcorp
Classification: Uncertain significance for Charcot-Marie-Tooth disease axonal type 2O. Last evaluated: 2022-09-09. Review status: criteria provided, single submitter. Criteria: Invitae Variant Classification Sherloc (09022015). Collection method: clinical testing. Allele origin: germline.
Comment: This sequence change falls in intron 46 of the DYNC1H1 gene. It does not directly change the encoded amino acid sequence of the DYNC1H1 protein. It affects a nucleotide within the consensus splice site. This variant is not present in population databases (gnomAD no frequency). This variant has not been reported in the literature in individuals affected with DYNC1H1-related conditions. Variants that disrupt the consensus splice site are a relatively common cause of aberrant splicing (PMID: 17576681, 9536098). Algorithms developed to predict the effect of sequence changes on RNA splicing suggest that this variant is not likely to affect RNA splicing. In summary, the available evidence is currently insufficient to determine the role of this variant in disease. Therefore, it has been classified as a Variant of Uncertain Significance.

Literature cited by the submitters: PubMed 17576681; PubMed 9536098.